The following is an entry in ClinVar:

NM_004208.4(AIFM1):c.-119A>G

Genes: AIFM1 (apoptosis inducing factor mitochondria associated 1; minus strand), RAB33A (RAB33A, member RAS oncogene family; plus strand), LOC130068679 (ATAC-STARR-seq lymphoblastoid active region 29939; plus strand). Cytogenetic location: Xq26.1.
Variant type: single nucleotide variant.
Coding change: c.-119A>G on transcript NM_004208.4 (MANE Select); 119 bases upstream of the start codon, A replaced by G.
Molecular consequence: 5 prime UTR variant. On other transcripts: non-coding transcript variant (1).
Genome position (GRCh38, 1-based): chrX:130,165,775, T>C on the plus strand (A>G on the coding strand, the complement: AIFM1 is on the minus strand). VCF-style: chrX-130165775-T-C. GRCh37 (hg19) VCF-style: chrX-129299749-T-C.
Other names: c.-119A>G (NM_001130847.4, NM_145812.3).
Identifiers: ClinVar variation 3039144 (VCV003039144.2), dbSNP rs1397438805, ClinGen allele CA871444805.
Genomic context (GRCh38, chrX:130,165,775, plus strand): 5'-GTCAAACACCGTGAGCCCCGGCCAGCTCCCCCAGTCTCTTCACACGCACATTACGCAGAC[T>C]CCTCCTCCCAGCTCCGGGTGGGCATTGGACAGAGAAGCCGGCCTGCTAGAGCCGGGGAAG-3'

ClinVar aggregate classification (germline): Likely benign (0 of 4 stars; one submission).

Conditions:
AIFM1-related disorder. Also called: AIFM1-related condition.

Allele frequency attached by ClinVar (database versions not stated): gnomAD 0.00002; gnomAD exomes 0.00002.
gnomAD v4.1: 11 of 615,638 alleles (0.0018%); highest among the groups gnomAD compares: Non-Finnish European, 0.0027%; no homozygotes.

Submission:

PreventionGenetics, part of Exact Sciences
Classification: Likely benign for AIFM1-related condition. Last evaluated: 2019-05-20. Review status: no assertion criteria provided. Collection method: clinical testing. Allele origin: germline.
Comment: This variant is classified as likely benign based on ACMG/AMP sequence variant interpretation guidelines (Richards et al. 2015 PMID: 25741868, with internal and published modifications).